The following is an entry in ClinVar:

NM_020884.7(MYH7B):c.3068G>A (p.Arg1023His)

Gene: MYH7B (myosin heavy chain 7B; plus strand). Cytogenetic location: 20q11.22.
Variant type: single nucleotide variant.
Coding change: c.3068G>A on transcript NM_020884.7 (MANE Select); coding-DNA position 3068, G replaced by A.
Protein change: p.Arg1023His; replaces arginine 1023 with histidine.
Molecular consequence: missense variant.
Genome position (GRCh38, 1-based): chr20:34,996,470, G>A. VCF-style: chr20-34996470-G-A. GRCh37 (hg19) VCF-style: chr20-33584273-G-A.
Other names: NC_000020.10:g.33584273G>A; short protein forms R1023H.
Identifiers: ClinVar variation 3400972 (VCV003400972.3).
Genomic context (GRCh38, chr20:34,996,470, plus strand): 5'-AGAAGGCGTTGCAGGAGGCCCACCAACAGGCCCTGGGTGACCTGCAGGCCGAGGAGGACC[G>A]TGTGAGCGCGCTGACCAAGGCCAAGCTCCGGCTGGAGCAACAGGTGGAGGACGTGAGTCA-3'
Protein context (NP_065935.4, residues 1013-1033): ALGDLQAEED[Arg1023His]VSALTKAKLR

ClinVar aggregate classification (germline): Uncertain significance. Review status: criteria provided, multiple submitters, no conflicts (2 of 4 stars). 2 submissions from 2 submitters: Uncertain significance (2). Last evaluated 2025-06-28.

gnomAD v4.1: 24 of 1,613,088 alleles (0.0015%); highest among the groups gnomAD compares: South Asian, 0.015%; no homozygotes.

Submissions (3):

Labcorp Genetics (formerly Invitae), Labcorp
Classification: Uncertain significance. Last evaluated: 2025-06-28. Review status: criteria provided, single submitter. Criteria: Invitae Variant Classification Sherloc (09022015). Collection method: clinical testing. Allele origin: germline.
Comment: This sequence change replaces arginine, which is basic and polar, with histidine, which is basic and polar, at codon 1065 of the MYH7B protein (p.Arg1065His). This variant is present in population databases (rs556514656, gnomAD 0.02%). This variant has not been reported in the literature in individuals affected with MYH7B-related conditions. ClinVar contains an entry for this variant (Variation ID: 3400972). Invitae Evidence Modeling of protein sequence and biophysical properties (such as structural, functional, and spatial information, amino acid conservation, physicochemical variation, residue mobility, and thermodynamic stability) indicates that this missense variant is expected to disrupt MYH7B protein function with a positive predictive value of 80%. In summary, the available evidence is currently insufficient to determine the role of this variant in disease. Therefore, it has been classified as a Variant of Uncertain Significance.

Ambry Genetics
Classification: Uncertain significance. Last evaluated: 2024-09-04. Review status: criteria provided, single submitter. Criteria: Ambry Variant Classification Scheme 2023. Collection method: clinical testing. Allele origin: germline.

Dr. Peter K. Rogan Lab, Western University
No classification provided (evidence only). Condition: Malignant tumor of esophagus. Review status: no classification provided. Collection method: in vitro. Allele origin: not applicable. Functional consequence: retained intron. Not counted in ClinVar's aggregate classification.